The following is an entry in ClinVar:

ClinVar aggregate classification (germline): Uncertain significance (1 of 4 stars; one submission).

Allele frequency attached by ClinVar (database versions not stated): gnomAD exomes below 0.00001.
gnomAD v4.1: 1 of 1,614,246 alleles (0.000062%); highest among the groups gnomAD compares: South Asian, 0.0011%; no homozygotes.

Submission:

Labcorp Genetics (formerly Invitae), Labcorp
Classification: Uncertain significance. Last evaluated: 2022-12-14. Review status: criteria provided, single submitter. Criteria: Invitae Variant Classification Sherloc (09022015). Collection method: clinical testing. Allele origin: germline.
Comment: In summary, the available evidence is currently insufficient to determine the role of this variant in disease. Therefore, it has been classified as a Variant of Uncertain Significance. Algorithms developed to predict the effect of missense changes on protein structure and function are either unavailable or do not agree on the potential impact of this missense change (SIFT: "Deleterious"; PolyPhen-2: "Probably Damaging"; Align-GVGD: "Class C0"). This variant has not been reported in the literature in individuals affected with ADCY10-related conditions. This variant is present in population databases (no rsID available, gnomAD 0.003%). This sequence change replaces valine, which is neutral and non-polar, with methionine, which is neutral and non-polar, at codon 980 of the ADCY10 protein (p.Val980Met).

NM_018417.6(ADCY10):c.2938G>A (p.Val980Met)

Gene: ADCY10 (adenylate cyclase 10; minus strand). Cytogenetic location: 1q24.2.
Variant type: single nucleotide variant.
Coding change: c.2938G>A on transcript NM_018417.6 (MANE Select); coding-DNA position 2938, G replaced by A.
Protein change: p.Val980Met; replaces valine 980 with methionine.
Molecular consequence: missense variant.
Genome position (GRCh38, 1-based): chr1:167,845,632, C>T on the plus strand (G>A on the coding strand, the complement: ADCY10 is on the minus strand). VCF-style: chr1-167845632-C-T. GRCh37 (hg19) VCF-style: chr1-167814870-C-T.
Other names: c.2479G>A, p.Val827Met (NM_001167749.3); c.2662G>A, p.Val888Met (NM_001297772.2); short protein forms V827M, V888M, V980M.
Identifiers: ClinVar variation 2802800 (VCV002802800.3), dbSNP rs1186258326, ClinGen allele CA343079978.